The following is an entry in ClinVar:

ClinVar aggregate classification (germline): Likely benign. Review status: criteria provided, multiple submitters, no conflicts (2 of 4 stars). 6 submissions from 6 submitters: Likely benign (4). 2 of the submissions do not count toward it. Last evaluated 2026-04-01.

Allele frequency attached by ClinVar (database versions not stated): 1000 Genomes Project 30x 0.00016; 1000 Genomes Project 0.00020; ESP Exome Variant Server 0.00071; TOPMed 0.00071; gnomAD 0.00112 and 0.00116; ExAC 0.00133.
gnomAD v4.1: 2,106 of 1,613,754 alleles (0.13%); highest among the groups gnomAD compares: Non-Finnish European, 0.16%; 7 homozygotes.

Submissions (6):

CeGaT Center for Human Genetics Tuebingen
Classification: Likely benign. Last evaluated: 2026-04-01. Review status: criteria provided, single submitter. Criteria: CeGaT Center For Human Genetics Tuebingen Variant Classification Criteria Version 2. Collection method: clinical testing. Allele origin: germline. Affected: yes. Observed: 6 variant alleles.
Comment: AP3D1: BP4, BP7

Labcorp Genetics (formerly Invitae), Labcorp
Classification: Likely benign. Last evaluated: 2026-01-28. Review status: criteria provided, single submitter. Criteria: Invitae Variant Classification Sherloc (09022015). Collection method: clinical testing. Allele origin: germline.

Mayo Clinic Laboratories, Mayo Clinic
Classification: Likely benign. Last evaluated: 2025-06-24. Review status: criteria provided, single submitter. Criteria: ACMG Guidelines, 2015. Collection method: clinical testing. Allele origin: germline. Observed: 4 variant alleles.
Comment: BS2, BP4, BP7

Blueprint Genetics
Classification: Likely benign. Last evaluated: 2024-11-26. Review status: criteria provided, single submitter. Criteria: ACMG Guidelines, 2015. Collection method: clinical testing. Allele origin: germline.

Clinical Genetics DNA and cytogenetics Diagnostics Lab, Erasmus MC, Erasmus Medical Center
Classification: Likely benign. Review status: no assertion criteria provided. Collection method: clinical testing. Allele origin: germline. Affected: yes. Study: VKGL Data-share Consensus. Not counted in ClinVar's aggregate classification.

Genome Diagnostics Laboratory, University Medical Center Utrecht
Classification: Likely benign. Review status: no assertion criteria provided. Collection method: clinical testing. Allele origin: germline. Affected: yes. Study: VKGL Data-share Consensus. Not counted in ClinVar's aggregate classification.

NM_001261826.3(AP3D1):c.810G>A (p.Thr270=)

Gene: AP3D1 (adaptor related protein complex 3 subunit delta 1; minus strand). Cytogenetic location: 19p13.3.
Variant type: single nucleotide variant.
Coding change: c.810G>A on transcript NM_001261826.3 (MANE Select); coding-DNA position 810, G replaced by A.
Protein change: p.Thr270=; no amino-acid change (threonine 270 retained).
Molecular consequence: synonymous variant.
Genome position (GRCh38, 1-based): chr19:2,127,198, C>T on the plus strand (G>A on the coding strand, the complement: AP3D1 is on the minus strand). VCF-style: chr19-2127198-C-T. GRCh37 (hg19) VCF-style: chr19-2127197-C-T.
Other names: p.Thr270=; c.810G>A, p.Thr270= (NM_001374799.1, NM_003938.8).
Identifiers: ClinVar variation 740771 (VCV000740771.38), dbSNP rs200136075, ClinGen allele CA9059557.